The following is an entry in ClinVar:

NM_000834.5(GRIN2B):c.2542C>T (p.His848Tyr)

Gene: GRIN2B (glutamate ionotropic receptor NMDA type subunit 2B; minus strand). Cytogenetic location: 12p13.1.
Variant type: single nucleotide variant.
Coding change: c.2542C>T on transcript NM_000834.5 (MANE Select); coding-DNA position 2542, C replaced by T.
Protein change: p.His848Tyr; replaces histidine 848 with tyrosine.
Molecular consequence: missense variant.
Genome position (GRCh38, 1-based): chr12:13,567,081, G>A on the plus strand (C>T on the coding strand, the complement: GRIN2B is on the minus strand). VCF-style: chr12-13567081-G-A. GRCh37 (hg19) VCF-style: chr12-13720015-G-A.
Other names: c.2542C>T, p.His848Tyr (NM_001413992.1); short protein forms H848Y.
Identifiers: ClinVar variation 1792845 (VCV001792845.2), dbSNP rs2497475740, ClinGen allele CA383996086.

ClinVar aggregate classification (germline): Uncertain significance (1 of 4 stars; one submission).

Conditions:
Inborn genetic diseases. Identifiers: MedGen C0950123, MeSH D030342.

Submission:

Ambry Genetics
Classification: Uncertain significance for Inborn genetic diseases. Last evaluated: 2017-11-29. Review status: criteria provided, single submitter. Criteria: Ambry Variant Classification Scheme 2023. Collection method: clinical testing. Allele origin: germline.
Comment: The p.H848Y variant (also known as c.2542C>T), located in coding exon 11 of the GRIN2B gene, results from a C to T substitution at nucleotide position 2542. The histidine at codon 848 is replaced by tyrosine, an amino acid with similar properties. This amino acid position is not well conserved in available vertebrate species. In addition, this alteration is predicted to be tolerated by in silico analysis. Since supporting evidence is limited at this time, the clinical significance of this alteration remains unclear.